The following is an entry in ClinVar:

ClinVar aggregate classification (germline): Uncertain significance (1 of 4 stars; one submission).

Allele frequency attached by ClinVar (database versions not stated): TOPMed below 0.00001; gnomAD 0.00001.
gnomAD v4.1: 2 of 1,614,130 alleles (0.00012%); highest among the groups gnomAD compares: African/African-American, 0.0027%; no homozygotes.

Submission:

GeneDx
Classification: Uncertain significance. Last evaluated: 2022-06-06. Review status: criteria provided, single submitter. Criteria: GeneDx Variant Classification Process June 2021. Collection method: clinical testing. Allele origin: germline. Affected: yes.
Comment: Not observed at significant frequency in large population cohorts (gnomAD); In silico analysis supports that this missense variant has a deleterious effect on protein structure/function; Has not been previously published as pathogenic or benign to our knowledge

NM_001330288.2(SMARCC2):c.2206G>A (p.Glu736Lys)

Gene: SMARCC2 (SWI/SNF related BAF chromatin remodeling complex subunit C2; minus strand). Cytogenetic location: 12q13.2.
Variant type: single nucleotide variant.
Coding change: c.2206G>A on transcript NM_001330288.2 (MANE Select); coding-DNA position 2206, G replaced by A.
Protein change: p.Glu736Lys; replaces glutamic acid 736 with lysine.
Molecular consequence: missense variant.
Genome position (GRCh38, 1-based): chr12:56,171,412, C>T on the plus strand (G>A on the coding strand, the complement: SMARCC2 is on the minus strand). VCF-style: chr12-56171412-C-T. GRCh37 (hg19) VCF-style: chr12-56565196-C-T.
Other names: c.2206G>A, p.Glu736Lys (NM_001130420.3, NM_139067.4); c.2113G>A, p.Glu705Lys (NM_003075.5); short protein forms E705K, E736K.
Identifiers: ClinVar variation 1803353 (VCV001803353.1), dbSNP rs11539383, ClinGen allele CA237657412.